The following is an entry in ClinVar:

NM_000092.5(COL4A4):c.2207del (p.Lys736fs)

Gene: COL4A4 (collagen type IV alpha 4 chain; minus strand). Cytogenetic location: 2q36.3.
Variant type: Deletion.
Coding change: c.2207del on transcript NM_000092.5 (MANE Select); coding-DNA position 2207, one base deleted (A; older notation c.2207delA).
Protein change: p.Lys736fs; shifts the reading frame from lysine 736.
Molecular consequence: frameshift variant.
Genome position (GRCh38, 1-based): chr2:227,059,581, T deleted on the plus strand (A on the coding strand, the reverse complement: COL4A4 is on the minus strand); the first of 4 consecutive T bases (chr2:227,059,581-227,059,584); deleting any one gives the same sequence. VCF-style (leftmost placement, unchanged base first): chr2-227059580-CT-C. GRCh37 (hg19) VCF-style: chr2-227924296-CT-C.
Other names: short protein forms K736fs.
Identifiers: ClinVar variation 1725554 (VCV001725554.2), dbSNP rs2474224740, ClinGen allele CA2580065924.
Genomic context (GRCh38, chr2:227,059,580, plus strand): 5'-TTTCTGACCATTCACTCCTGGTGAGCCGGGAGGGCCTGGGGGCCCAACAGGGGAGGACCC[CT>C]TTTCACCTCCAAAACCCGGATCTCCCATGTCACCACGAAAACCTATTTAACAACAAAAAA-3'

ClinVar aggregate classification (germline): Likely pathogenic (1 of 4 stars; one submission).

Conditions:
Autosomal recessive Alport syndrome (ATS2). Also called: COL4A3-Related Nephropathy; COL4A4 Alport Syndrome and Thin Basement Membrane Nephropathy; ALPORT SYNDROME 2, AUTOSOMAL RECESSIVE; Alport syndrome type 2. Identifiers: Orphanet 63, Orphanet 88919, MedGen C4746745, MONDO:0008762, OMIM 203780.

Submission:

Myriad Genetics, Inc.
Classification: Likely pathogenic for Autosomal recessive Alport syndrome. Last evaluated: 2022-03-30. Review status: criteria provided, single submitter. Criteria: Myriad Women's Health Autosomal Recessive and X-Linked Classification Criteria (2021). Collection method: clinical testing. Allele origin: unknown.
Comment: NM_000092.4(COL4A4):c.2207delA(K736Rfs*17) is expected to be pathogenic in the context of COL4A4-related Alport syndrome. This variant is predicted to lead to an abnormal or absent protein product due to the creation of a premature termination codon in COL4A4, a gene where loss-of-function variants are known to be pathogenic. Please note: this variant was assessed in the context of healthy population screening.